The following is an entry in ClinVar:

ClinVar aggregate classification (germline): Uncertain significance (1 of 4 stars; one submission).

Allele frequency attached by ClinVar (database versions not stated): ExAC 0.00002.
gnomAD v4.1: 6 of 1,595,730 alleles (0.00038%); highest among the groups gnomAD compares: Non-Finnish European, 0.00051%; no homozygotes.

Submission:

Ambry Genetics
Classification: Uncertain significance. Last evaluated: 2024-07-31. Review status: criteria provided, single submitter. Criteria: Ambry Variant Classification Scheme 2023. Collection method: clinical testing. Allele origin: germline.
Comment: The p.V223F variant (also known as c.667G>T), located in coding exon 3 of the GALNT12 gene, results from a G to T substitution at nucleotide position 667. The valine at codon 223 is replaced by phenylalanine, an amino acid with highly similar properties. This amino acid position is conserved. In addition, this alteration is predicted to be deleterious by in silico analysis. Based on the available evidence, the clinical significance of this variant remains unclear.

NM_024642.5(GALNT12):c.667G>T (p.Val223Phe)

Gene: GALNT12 (polypeptide N-acetylgalactosaminyltransferase 12; plus strand). Cytogenetic location: 9q22.33.
Variant type: single nucleotide variant.
Coding change: c.667G>T on transcript NM_024642.5 (MANE Select); coding-DNA position 667, G replaced by T.
Protein change: p.Val223Phe; replaces valine 223 with phenylalanine.
Molecular consequence: missense variant.
Genome position (GRCh38, 1-based): chr9:98,826,877, G>T. VCF-style: chr9-98826877-G-T. GRCh37 (hg19) VCF-style: chr9-101589159-G-T.
Other names: short protein forms V223F.
Identifiers: ClinVar variation 3098061 (VCV003098061.2), dbSNP rs776852348, ClinGen allele CA5154018.